The following is an entry in ClinVar:

NM_138383.3(MTSS2):c.1142T>G (p.Val381Gly)

Gene: MTSS2 (MTSS I-BAR domain containing 2; minus strand). Cytogenetic location: 16q22.1.
Variant type: single nucleotide variant.
Coding change: c.1142T>G on transcript NM_138383.3 (MANE Select); coding-DNA position 1142, T replaced by G.
Protein change: p.Val381Gly; replaces valine 381 with glycine.
Molecular consequence: missense variant.
Genome position (GRCh38, 1-based): chr16:70,665,083, A>C on the plus strand (T>G on the coding strand, the complement: MTSS2 is on the minus strand). VCF-style: chr16-70665083-A-C. GRCh37 (hg19) VCF-style: chr16-70698986-A-C.
Other names: short protein forms V381G.
Identifiers: ClinVar variation 3366211 (VCV003366211.1).
Genomic context (GRCh38, chr16:70,665,083, plus strand): 5'-AGCTCCACTCGGTCCTTCCTCCGCTGCAGAGTGGCGCCTGAGGGCTGCTCATGGGAGCCG[A>C]CCTTGGACCAGTCCTGCAGGGAGGGTGTGGCAGGTCAGGGGGACCACTGGCCCTACCACC-3'
Protein context (NP_612392.1, residues 371-391): CSSPTSDWSK[Val381Gly]GSHEQPSGAT

ClinVar aggregate classification (germline): Uncertain significance (1 of 4 stars; one submission).

Submission:

GeneDx
Classification: Uncertain significance. Last evaluated: 2023-10-19. Review status: criteria provided, single submitter. Criteria: GeneDx Variant Classification Process June 2021. Collection method: clinical testing. Allele origin: germline. Affected: yes.
Comment: Not observed at significant frequency in large population cohorts (gnomAD); In silico analysis supports that this missense variant does not alter protein structure/function; Has not been previously published as pathogenic or benign to our knowledge.